The following is an entry in ClinVar:

ClinVar aggregate classification (germline): Uncertain significance (1 of 4 stars; one submission).

Submission:

GeneDx
Classification: Uncertain significance. Last evaluated: 2026-02-06. Review status: criteria provided, single submitter. Criteria: GeneDx Variant Classification Process June 2021. Collection method: clinical testing. Allele origin: germline.
Comment: In silico analysis supports that this missense variant has a deleterious effect on protein structure/function; Has not been previously published as pathogenic or benign to our knowledge

NM_001378974.1(FBXW11):c.425C>T (p.Thr142Ile)

Gene: FBXW11 (F-box and WD repeat domain containing 11; minus strand). Cytogenetic location: 5q35.1.
Variant type: single nucleotide variant.
Coding change: c.425C>T on transcript NM_001378974.1 (MANE Select); coding-DNA position 425, C replaced by T.
Protein change: p.Thr142Ile; replaces threonine 142 with isoleucine.
Molecular consequence: missense variant.
Genome position (GRCh38, 1-based): chr5:171,910,583, G>A on the plus strand (C>T on the coding strand, the complement: FBXW11 is on the minus strand). VCF-style: chr5-171910583-G-A. GRCh37 (hg19) VCF-style: chr5-171337587-G-A.
Other names: c.362C>T, p.Thr121Ile (NM_001378975.1, NM_012300.3); c.329C>T, p.Thr110Ile (NM_001378976.1); c.266C>T, p.Thr89Ile (NM_001378977.1, NM_001378978.1, NM_001378979.1); c.260C>T, p.Thr87Ile (NM_001378980.1, NM_033645.3); c.323C>T, p.Thr108Ile (NM_033644.3); short protein forms T121I, T142I, T87I, T89I, T108I, T110I.
Identifiers: ClinVar variation 4975202 (VCV004975202.1).